The following is an entry in ClinVar:

NM_000051.4(ATM):c.1297T>C (p.Ser433Pro)

Gene: ATM (ATM serine/threonine kinase; plus strand). Cytogenetic location: 11q22.3.
Variant type: single nucleotide variant.
Coding change: c.1297T>C on transcript NM_000051.4 (MANE Select); coding-DNA position 1297, T replaced by C.
Protein change: p.Ser433Pro; replaces serine 433 with proline.
Molecular consequence: missense variant.
Genome position (GRCh38, 1-based): chr11:108,250,762, T>C. VCF-style: chr11-108250762-T-C. GRCh37 (hg19) VCF-style: chr11-108121489-T-C.
Other names: c.1297T>C, p.Ser433Pro (NM_001351834.2); short protein forms S433P.
Identifiers: ClinVar variation 3894047 (VCV003894047.1).
Genomic context (GRCh38, chr11:108,250,762, plus strand): 5'-CTACAGATTGCAACCCAATTAATATCAAAGTATCCTGCAAGTTTACCTAACTGTGAGCTG[T>C]CTCCATTACTGATGATACTATCTCAGCTTCTACCCCAACAGCGACATGGGGAACGTACAC-3'
Protein context (NP_000042.3, residues 423-443): YPASLPNCEL[Ser433Pro]PLLMILSQLL

ClinVar aggregate classification (germline): Uncertain significance (1 of 4 stars; one submission).

Conditions:
Hereditary cancer-predisposing syndrome. Also called: Neoplastic Syndromes, Hereditary; Tumor predisposition; Hereditary Cancer Syndrome; Hereditary neoplastic syndrome. Identifiers: Orphanet 140162, MedGen C0027672, MeSH D009386, MONDO:0015356.

Submission:

Color Diagnostics, LLC DBA Color Health
Classification: Uncertain significance for Hereditary cancer-predisposing syndrome. Last evaluated: 2024-08-19. Review status: criteria provided, single submitter. Criteria: ACMG Guidelines, 2015. Collection method: clinical testing. Allele origin: germline.
Comment: This missense variant replaces serine with proline at codon 433 of the ATM protein. Computational prediction suggests that this variant may not impact protein structure and function. To our knowledge, functional studies have not been reported for this variant. This variant has not been reported in individuals affected with ATM-related disorders in the literature. This variant has not been identified in the general population by the Genome Aggregation Database (gnomAD). The available evidence is insufficient to determine the role of this variant in disease conclusively. Therefore, this variant is classified as a Variant of Uncertain Significance.